The following is an entry in ClinVar:

ClinVar aggregate classification (germline): Pathogenic. Review status: criteria provided, multiple submitters, no conflicts (2 of 4 stars). 11 submissions from 11 submitters: Pathogenic (11). Last evaluated 2024-11-27.

Conditions:
CHD7-related disorder. Also called: CHD7-related condition.
Inborn genetic diseases. Identifiers: MedGen C0950123, MeSH D030342.
CHARGE syndrome (CHARGE). Also called: CHARGE ASSOCIATION--COLOBOMA, HEART ANOMALY, CHOANAL ATRESIA, RETARDATION, GENITAL AND EAR ANOMALIES; Hittner Hirsch Kreh syndrome; Coloboma, heart anomaly, choanal atresia, retardation, genital and ear anomalies; CHARGE association; Hall-Hittner syndrome. Identifiers: Orphanet 138, MedGen C0265354, MONDO:0008965.

Allele frequency attached by ClinVar (database versions not stated): gnomAD exomes below 0.00001.
gnomAD v4.1: 1 of 1,602,764 alleles (0.000062%); highest among the groups gnomAD compares: Non-Finnish European, 0.000085%; no homozygotes.

Submissions (11):

3billion
Classification: Pathogenic for CHD7-related CHARGE syndrome. Last evaluated: 2024-11-27. Review status: criteria provided, single submitter. Criteria: ACMG Guidelines, 2015. Collection method: clinical testing. Allele origin: germline. Affected: yes.
Comment: The variant is observed at an extremely low frequency in the gnomAD v4.1.0 dataset (total allele frequency: <0.001%). Predicted Consequence/Location: Stop-gained (nonsense): predicted to result in a loss or disruption of normal protein function through nonsense-mediated decay (NMD) or protein truncation. Multiple pathogenic variants are reported downstream of the variant. The variant has been reported at least twice as pathogenic with clinical assertions and evidence for the classification (ClinVar ID: VCV000158321 /PMID: 16400610 /3billion dataset). Therefore, this variant is classified as Pathogenic according to the recommendation of ACMG/AMP guideline.

GeneDx
Classification: Pathogenic. Last evaluated: 2024-05-19. Review status: criteria provided, single submitter. Criteria: GeneDx Variant Classification Process June 2021. Collection method: clinical testing. Allele origin: germline. Affected: yes.
Comment: Nonsense variant predicted to result in protein truncation or nonsense mediated decay in a gene for which loss of function is a known mechanism of disease; Not observed at significant frequency in large population cohorts (gnomAD); This variant is associated with the following publications: (PMID: 33423256, 25525159, 16400610, 26663670, 28726809, 29653002, 38597178, 36268624, 36672771)

Labcorp Genetics (formerly Invitae), Labcorp
Classification: Pathogenic for CHARGE syndrome. Last evaluated: 2024-02-25. Review status: criteria provided, single submitter. Criteria: Invitae Variant Classification Sherloc (09022015). Collection method: clinical testing. Allele origin: germline.
Comment: This sequence change creates a premature translational stop signal (p.Arg2653*) in the CHD7 gene. It is expected to result in an absent or disrupted protein product. Loss-of-function variants in CHD7 are known to be pathogenic (PMID: 22461308, 25077900). This variant is not present in population databases (gnomAD no frequency). This premature translational stop signal has been observed in individual(s) with clinical features of CHARGE syndrome (PMID: 16400610). ClinVar contains an entry for this variant (Variation ID: 158321). For these reasons, this variant has been classified as Pathogenic.

Blueprint Genetics
Classification: Pathogenic for CHD7-related disorders. Last evaluated: 2023-04-05. Review status: criteria provided, single submitter. Criteria: ACMG Guidelines, 2015. Collection method: clinical testing. Allele origin: germline. Affected: yes. Observed: 1 variant allele.

Revvity Omics, Revvity
Classification: Pathogenic. Last evaluated: 2022-01-05. Review status: criteria provided, single submitter. Criteria: ACMG Guidelines, 2015. Collection method: clinical testing. Allele origin: germline.

Institute of Human Genetics, University of Leipzig Medical Center
Classification: Pathogenic for CHD7-related CHARGE syndrome. Last evaluated: 2019-03-12. Review status: criteria provided, single submitter. Criteria: ACMG Guidelines, 2015. Collection method: clinical testing. Allele origin: germline. Affected: yes. Observed: 1 variant allele.

Ambry Genetics
Classification: Pathogenic for Inborn genetic diseases. Last evaluated: 2018-02-08. Review status: criteria provided, single submitter. Criteria: Ambry exome assertion method (8-5-2015). Collection method: clinical testing. Allele origin: germline. Affected: yes. Observed: 1 variant allele.

Center for Human Genetics, Inc
Classification: Pathogenic for CHARGE syndrome. Last evaluated: 2016-11-01. Review status: criteria provided, single submitter. Criteria: ACMG Guidelines, 2015. Collection method: clinical testing. Allele origin: germline. Affected: yes.

Women's Health and Genetics/Laboratory Corporation of America, LabCorp
Classification: Pathogenic for CHARGE syndrome. Last evaluated: 2016-10-24. Review status: criteria provided, single submitter. Criteria: LabCorp Variant Classification Summary - May 2015. Collection method: clinical testing. Allele origin: germline.
Comment: Variant summary: The CHD7 c.7957C>T (p.Arg2653X) variant results in a premature termination codon, predicted to cause a truncated or absent CHD7 protein due to nonsense mediated decay, which are commonly known mechanisms for disease. Truncations downstream of this position have been classified as pathogenic by our laboratory (e.g. c.6070C>T, p.Arg2024X). One in silico tool predicts a damaging outcome for this variant. This variant is absent in 97562 control chromosomes and has been reported in multiple CHARGE patients in the literature. In addition, one clinical diagnostic laboratory has classified this variant as pathogenic. Taken together, this variant is classified as pathogenic.

Genetic Services Laboratory, University of Chicago
Classification: Pathogenic for CHARGE syndrome. Last evaluated: 2013-09-24. Review status: criteria provided, single submitter. Criteria: ACMG Guidelines, 2007. Collection method: clinical testing. Allele origin: germline. Inheritance: Autosomal dominant inheritance. Affected: yes.

Rady Children's Institute for Genomic Medicine, Rady Children's Hospital San Diego
Classification: Pathogenic for CHD7-related CHARGE syndrome. Review status: criteria provided, single submitter. Criteria: ACMG Guidelines, 2015. Collection method: clinical testing. Allele origin: germline. Affected: yes.
Comment: This nonsense variant found in exon 36 of 38 is predicted to result in loss of normal protein function through either protein truncation or nonsense-mediated mRNA decay (NMD). This variant has been previously reported as a heterozygous change, including as de novo variant in patients with CHARGE syndrome (PMID: 26663670, 16400610). It is absent from the gnomAD population database and thus is presumed to be rare. Analysis of the parental samples was negative for the variant, indicating this variant likely occurred as a de novo event. Based on the available evidence, the c.7957C>T (p.Arg2653Ter) variant is classified as Pathogenic.

Literature cited by the submitters: PubMed 16400610 (cited by 4 submitters); PubMed 22461308 (cited by Labcorp Genetics (formerly Invitae), Labcorp and Women's Health and Genetics/Laboratory Corporation of America, LabCorp); PubMed 25077900 (cited by Labcorp Genetics (formerly Invitae), Labcorp); PubMed 26663670 (cited by Women's Health and Genetics/Laboratory Corporation of America, LabCorp).

NM_017780.4(CHD7):c.7957C>T (p.Arg2653Ter)

Gene: CHD7 (chromodomain helicase DNA binding protein 7; plus strand). Cytogenetic location: 8q12.2.
Variant type: single nucleotide variant.
Coding change: c.7957C>T on transcript NM_017780.4 (MANE Select); coding-DNA position 7957, C replaced by T.
Protein change: p.Arg2653Ter; replaces arginine 2653 with a stop codon.
Molecular consequence: nonsense.
Genome position (GRCh38, 1-based): chr8:60,862,322, C>T. VCF-style: chr8-60862322-C-T. GRCh37 (hg19) VCF-style: chr8-61774881-C-T.
Other names: c.7957C>T (LRG_176t1); c.1810C>T, p.Arg604Ter (NM_001316690.1); short protein forms R2653*, R604*.
Identifiers: ClinVar variation 158321 (VCV000158321.29), dbSNP rs587783458, ClinGen allele CA271346.